The following is an entry in ClinVar:

NM_001379500.1(COL18A1):c.3248C>T (p.Thr1083Met)

Genes: COL18A1 (collagen type XVIII alpha 1 chain; plus strand), SLC19A1 (solute carrier family 19 member 1; minus strand). Cytogenetic location: 21q22.3.
Variant type: single nucleotide variant.
Coding change: c.3248C>T on transcript NM_001379500.1 (MANE Select); coding-DNA position 3248, C replaced by T.
Protein change: p.Thr1083Met; replaces threonine 1083 with methionine.
Molecular consequence: missense variant.
Genome position (GRCh38, 1-based): chr21:45,507,592, C>T. VCF-style: chr21-45507592-C-T. GRCh37 (hg19) VCF-style: chr21-46927506-C-T.
Other names: NM_130445.2:c.3239C>T; c.3779C>T, p.Thr1260Met (NM_030582.4); c.4484C>T, p.Thr1495Met (NM_130444.3); short protein forms T1083M, T1260M, T1495M.
Identifiers: ClinVar variation 1326165 (VCV001326165.6), dbSNP rs776806921, ClinGen allele CA10067803.
Genomic context (GRCh38, chr21:45,507,592, plus strand): 5'-TCCTGGGTGACCCTGCTGCTTTCTTCCAGCTGGAGGCCCGGACACCACTCCCACGAGGGA[C>T]GGTAAGGAGCCTTTTTTCTGTTGAGACTGGTGGGTGGTCAGGACATGAGGGGGTATGTGC-3'
Protein context (NP_001366429.1, residues 1073-1093): LEARTPLPRG[Thr1083Met]DNEVAALQPP

ClinVar aggregate classification (germline): Conflicting classifications of pathogenicity. Review status: criteria provided, conflicting classifications (1 of 4 stars). 3 submissions from 3 submitters: Uncertain significance (2); Likely benign (1). Last evaluated 2024-11-18.

Allele frequency attached by ClinVar (database versions not stated): ExAC 0.00002; gnomAD exomes 0.00003 and 0.00010; gnomAD 0.00012 and 0.00013; TOPMed 0.00014.
gnomAD v4.1: 65 of 1,612,822 alleles (0.004%); highest among the groups gnomAD compares: Admixed American, 0.09%; no homozygotes.

Submissions (3):

Labcorp Genetics (formerly Invitae), Labcorp
Classification: Uncertain significance. Last evaluated: 2024-11-18. Review status: criteria provided, single submitter. Criteria: Invitae Variant Classification Sherloc (09022015). Collection method: clinical testing. Allele origin: germline.
Comment: This sequence change replaces threonine, which is neutral and polar, with methionine, which is neutral and non-polar, at codon 1080 of the COL18A1 protein (p.Thr1080Met). This variant is present in population databases (rs776806921, gnomAD 0.07%). This variant has not been reported in the literature in individuals affected with COL18A1-related conditions. ClinVar contains an entry for this variant (Variation ID: 1326165). Experimental studies and prediction algorithms are not available or were not evaluated, and the functional significance of this variant is currently unknown. In summary, the available evidence is currently insufficient to determine the role of this variant in disease. Therefore, it has been classified as a Variant of Uncertain Significance.

Blueprint Genetics
Classification: Likely benign. Last evaluated: 2022-09-22. Review status: criteria provided, single submitter. Criteria: ACMG Guidelines, 2015. Collection method: clinical testing. Allele origin: germline.

GeneDx
Classification: Uncertain significance. Last evaluated: 2021-04-13. Review status: criteria provided, single submitter. Criteria: GeneDx Variant Classification Process June 2021. Collection method: clinical testing. Allele origin: germline. Affected: yes.
Comment: In silico analysis supports that this missense variant does not alter protein structure/function; Has not been previously published as pathogenic or benign to our knowledge